The following is an entry in ClinVar:

NM_020987.5(ANK3):c.12078C>T (p.Ser4026=)

Gene: ANK3 (ankyrin 3; minus strand). Cytogenetic location: 10q21.2.
Variant type: single nucleotide variant.
Coding change: c.12078C>T on transcript NM_020987.5 (MANE Select); coding-DNA position 12078, C replaced by T.
Protein change: p.Ser4026=; no amino-acid change (serine 4026 retained).
Molecular consequence: synonymous variant. On other transcripts: intron variant (4).
Genome position (GRCh38, 1-based): chr10:60,068,803, G>A on the plus strand (C>T on the coding strand, the complement: ANK3 is on the minus strand). VCF-style: chr10-60068803-G-A. GRCh37 (hg19) VCF-style: chr10-61828561-G-A.
Other names: c.4388-794C>T (NM_001204403.2); c.4409-794C>T (NM_001204404.2); c.4406-794C>T (NM_001320874.2); c.1808-794C>T (NM_001149.4).
Identifiers: ClinVar variation 1593464 (VCV001593464.9), dbSNP rs200605397, ClinGen allele CA5510978.

ClinVar aggregate classification (germline): Likely benign. Review status: criteria provided, multiple submitters, no conflicts (2 of 4 stars). 2 submissions from 2 submitters: Likely benign (2). Last evaluated 2026-07-01.

Allele frequency attached by ClinVar (database versions not stated): ExAC 0.00013; TOPMed 0.00014; gnomAD exomes 0.00018; 1000 Genomes Project 0.00020; 1000 Genomes Project 30x 0.00062.
gnomAD v4.1: 416 of 1,614,194 alleles (0.026%); highest among the groups gnomAD compares: Non-Finnish European, 0.031%; no homozygotes.

Submissions (2):

CeGaT Center for Human Genetics Tuebingen
Classification: Likely benign. Last evaluated: 2026-07-01. Review status: criteria provided, single submitter. Criteria: CeGaT Center For Human Genetics Tuebingen Variant Classification Criteria Version 2. Collection method: clinical testing. Allele origin: germline. Affected: yes. Observed: 1 variant allele.
Comment: ANK3: BP4, BP7

Labcorp Genetics (formerly Invitae), Labcorp
Classification: Likely benign. Last evaluated: 2025-10-13. Review status: criteria provided, single submitter. Criteria: Invitae Variant Classification Sherloc (09022015). Collection method: clinical testing. Allele origin: germline.